The following is an entry in ClinVar:

NM_020937.4(FANCM):c.955A>C (p.Asn319His)

Gene: FANCM (FA complementation group M; plus strand). Cytogenetic location: 14q21.2.
Variant type: single nucleotide variant.
Coding change: c.955A>C on transcript NM_020937.4 (MANE Select); coding-DNA position 955, A replaced by C.
Protein change: p.Asn319His; replaces asparagine 319 with histidine.
Molecular consequence: missense variant.
Genome position (GRCh38, 1-based): chr14:45,151,433, A>C. VCF-style: chr14-45151433-A-C. GRCh37 (hg19) VCF-style: chr14-45620636-A-C.
Other names: c.877A>C, p.Asn293His (NM_001308133.2); c.955A>C, p.Asn319His (NM_001308134.2); short protein forms N319H, N293H.
Identifiers: ClinVar variation 4734716 (VCV004734716.1).
Genomic context (GRCh38, chr14:45,151,433, plus strand): 5'-ACTAGATTGCTTTTAAATTTGCAGATTTTGGAATCATTTGCTCGTTCTTTGATTCAGAGG[A>C]ATGTTTTGATGAGAAGGGATATCCCAAATCTAACAAAATATCAGATAATTCTGGCAAGAG-3'
Protein context (NP_065988.1, residues 309-329): ESFARSLIQR[Asn319His]VLMRRDIPNL

ClinVar aggregate classification (germline): Uncertain significance (1 of 4 stars; one submission).

Conditions:
Fanconi anemia (FA). Also called: Fanconi's anemia. Identifiers: Orphanet 84, MedGen C0015625, MeSH D005199, MONDO:0019391.

Submission:

Labcorp Genetics (formerly Invitae), Labcorp
Classification: Uncertain significance for Fanconi anemia. Last evaluated: 2026-01-11. Review status: criteria provided, single submitter. Criteria: Invitae Variant Classification Sherloc (09022015). Collection method: clinical testing. Allele origin: germline.
Comment: This sequence change replaces asparagine, which is neutral and polar, with histidine, which is basic and polar, at codon 319 of the FANCM protein (p.Asn319His). This variant is not present in population databases (gnomAD no frequency). This variant has not been reported in the literature in individuals affected with FANCM-related conditions. An algorithm developed to predict the effect of missense changes on protein structure and function (PolyPhen-2) suggests that this variant is likely to be tolerated. In summary, the available evidence is currently insufficient to determine the role of this variant in disease. Therefore, it has been classified as a Variant of Uncertain Significance.